The following is an entry in ClinVar:

ClinVar aggregate classification (germline): Benign. Review status: criteria provided, multiple submitters, no conflicts (2 of 4 stars). 2 submissions from 2 submitters: Benign (2). Last evaluated 2018-01-13.

Conditions:
Retinitis pigmentosa (RP). Identifiers: Orphanet 791, MedGen C0035334, MeSH D012174, MONDO:0019200, OMIM 268000. Inheritance: Autosomal dominant, autosomal recessive and X linked inheritance.

Allele frequency attached by ClinVar (database versions not stated): 1000 Genomes Project 30x 0.01093; 1000 Genomes Project 0.01098; TOPMed 0.01984; gnomAD exomes 0.02083; gnomAD 0.02120 and 0.02209.

Submissions (10):

Illumina Laboratory Services, Illumina
Classification: Benign for Retinitis pigmentosa. Last evaluated: 2018-01-13. Review status: criteria provided, single submitter. Criteria: ICSL Variant Classification Criteria 13 December 2019. Collection method: clinical testing. Allele origin: germline.
Comment: This variant was observed in the ICSL laboratory as part of a predisposition screen in an ostensibly healthy population. It had not been previously curated by ICSL or reported in the Human Gene Mutation Database (HGMD: prior to June 1st, 2018), and was therefore a candidate for classification through an automated scoring system. Utilizing variant allele frequency, disease prevalence and penetrance estimates, and inheritance mode, an automated score was calculated to assess if this variant is too frequent to cause the disease. Based on the score and internal cut-off values, a variant classified as benign is not then subjected to further curation. The score for this variant resulted in a classification of benign for this disease.

Breakthrough Genomics
Classification: Benign. Review status: criteria provided, single submitter. Criteria: ACMG Guidelines, 2015. Collection method: not provided. Allele origin: germline. Inheritance: Autosomal dominant inheritance. Affected: yes.

Dr. Peter K. Rogan Lab, Western University
No classification provided (evidence only). Condition: Uterine corpus endometrial carcinoma. Review status: no classification provided. Collection method: in vitro. Allele origin: not applicable. Functional consequence: retained intron. Not counted in ClinVar's aggregate classification.

Dr. Peter K. Rogan Lab, Western University
No classification provided (evidence only). Condition: Uterine corpus endometrial carcinoma. Review status: no classification provided. Collection method: in vitro. Allele origin: not applicable. Functional consequence: retained intron. Not counted in ClinVar's aggregate classification.

Dr. Peter K. Rogan Lab, Western University
No classification provided (evidence only). Condition: Cervical cancer. Review status: no classification provided. Collection method: in vitro. Allele origin: not applicable. Functional consequence: retained intron. Not counted in ClinVar's aggregate classification.

Dr. Peter K. Rogan Lab, Western University
No classification provided (evidence only). Condition: Sarcoma. Review status: no classification provided. Collection method: in vitro. Allele origin: not applicable. Functional consequence: retained intron. Not counted in ClinVar's aggregate classification.

Dr. Peter K. Rogan Lab, Western University
No classification provided (evidence only). Condition: Cholangiocarcinoma. Review status: no classification provided. Collection method: in vitro. Allele origin: not applicable. Functional consequence: retained intron. Not counted in ClinVar's aggregate classification.

Dr. Peter K. Rogan Lab, Western University
No classification provided (evidence only). Condition: Ovarian serous cystadenocarcinoma. Review status: no classification provided. Collection method: in vitro. Allele origin: not applicable. Functional consequence: retained intron. Not counted in ClinVar's aggregate classification.

Dr. Peter K. Rogan Lab, Western University
No classification provided (evidence only). Condition: Ovarian serous cystadenocarcinoma. Review status: no classification provided. Collection method: in vitro. Allele origin: not applicable. Functional consequence: retained intron. Not counted in ClinVar's aggregate classification.

Dr. Peter K. Rogan Lab, Western University
No classification provided (evidence only). Condition: Malignant tumor of esophagus. Review status: no classification provided. Collection method: in vitro. Allele origin: not applicable. Functional consequence: retained intron. Not counted in ClinVar's aggregate classification.

NM_001354768.3(NRL):c.*834G>C

Gene: NRL (neural retina leucine zipper; minus strand). Cytogenetic location: 14q11.2.
Variant type: single nucleotide variant.
Coding change: c.*834G>C on transcript NM_001354768.3 (MANE Select); 834 bases downstream of the stop codon, G replaced by C.
Molecular consequence: 3 prime UTR variant.
Genome position (GRCh38, 1-based): chr14:24,080,402, C>G on the plus strand (G>C on the coding strand, the complement: NRL is on the minus strand). VCF-style: chr14-24080402-C-G. GRCh37 (hg19) VCF-style: chr14-24549611-C-G.
Other names: NC_000014.8:g.24549611C>G; c.*834G>C (NM_001354769.1, NM_001354770.2, NM_006177.5).
Identifiers: ClinVar variation 312927 (VCV000312927.7), dbSNP rs1051718, ClinGen allele CA10644013.